The following is an entry in ClinVar:

ClinVar aggregate classification (germline): Uncertain significance (1 of 4 stars; one submission).

Conditions:
Autosomal recessive limb-girdle muscular dystrophy type 2L (LGMDR12). Also called: Limb-girdle muscular dystrophy, type 2L; MUSCULAR DYSTROPHY, LIMB-GIRDLE, AUTOSOMAL RECESSIVE 12; Limb-Girdle Muscular Dystrophy R12 Anoctamin-5-Related (LGMD-R12). Identifiers: Orphanet 206549, MedGen C1969785, MONDO:0012652, OMIM 611307.
Gnathodiaphyseal dysplasia (GDD). Also called: GNATHODIAPHYSEAL SCLEROSIS; OSTEOGENESIS IMPERFECTA WITH UNUSUAL SKELETAL LESIONS. Identifiers: Orphanet 53697, MedGen C1833736, MONDO:0008151, OMIM 166260.

Submission:

Labcorp Genetics (formerly Invitae), Labcorp
Classification: Uncertain significance for Autosomal recessive limb-girdle muscular dystrophy type 2L; Gnathodiaphyseal dysplasia. Last evaluated: 2021-07-20. Review status: criteria provided, single submitter. Criteria: Invitae Variant Classification Sherloc (09022015). Collection method: clinical testing. Allele origin: germline.
Comment: This sequence change falls in intron 7 of the ANO5 gene. It does not directly change the encoded amino acid sequence of the ANO5 protein. In summary, the available evidence is currently insufficient to determine the role of this variant in disease. Therefore, it has been classified as a Variant of Uncertain Significance. Algorithms developed to predict the effect of sequence changes on RNA splicing suggest that this variant may create or strengthen a splice site. This variant has not been reported in the literature in individuals affected with ANO5-related conditions. This variant is not present in population databases (ExAC no frequency).

NM_213599.3(ANO5):c.649-11T>G

Gene: ANO5 (anoctamin 5; plus strand). Cytogenetic location: 11p14.3.
Variant type: single nucleotide variant.
Coding change: c.649-11T>G on transcript NM_213599.3 (MANE Select); 11 bases into the intron before coding-DNA position 649, T replaced by G.
Molecular consequence: intron variant.
Genome position (GRCh38, 1-based): chr11:22,236,152, T>G. VCF-style: chr11-22236152-T-G. GRCh37 (hg19) VCF-style: chr11-22257698-T-G.
Other names: c.646-11T>G (NM_001142649.2).
Identifiers: ClinVar variation 1368699 (VCV001368699.8), dbSNP rs2133647759, ClinGen allele CA2573146256.
Genomic context (GRCh38, chr11:22,236,152, plus strand): 5'-TGTGATTGAAAGAAATGTGGAAAGCATAAAGTTCTGAGATGTGATAGTGTCTCTTTGCAC[T>G]TACCTTGTAGGTGTACTATATTCTCTCAAGATGTCCTTTTGGCATAGAAGATGGGAAGAA-3'